The following is an entry in ClinVar:

ClinVar aggregate classification (germline): Pathogenic (1 of 4 stars; one submission).

Conditions:
Nemaline myopathy 2 (NEM2). Also called: Nemaline myopathy 2, autosomal recessive. Identifiers: MedGen C1850569, MONDO:0009725, OMIM 256030.

Submission:

Myriad Genetics, Inc.
Classification: Pathogenic for Nemaline myopathy 2. Last evaluated: 2023-12-19. Review status: criteria provided, single submitter. Criteria: Myriad Autosomal Dominant, Autosomal Recessive and X-Linked Classification Criteria (2023). Collection method: clinical testing. Allele origin: unknown.
Comment: NM_001271208.1(NEB):c.24526G>T(G8176*) is expected to be pathogenic in the context of NEB-related nemaline myopathy. This variant is predicted to lead to an abnormal or absent protein product due to the creation of a premature termination codon in NEB, a gene where loss-of-function variants are known to be pathogenic. Please note: this variant was assessed in the context of healthy population screening.

NM_001164508.2(NEB):c.24421G>T (p.Gly8141Ter)

Genes: NEB (nebulin; minus strand), RIF1 (replication timing regulatory factor 1; plus strand). Cytogenetic location: 2q23.3.
Variant type: single nucleotide variant.
Coding change: c.24421G>T on transcript NM_001164508.2 (MANE Select); coding-DNA position 24421, G replaced by T.
Protein change: p.Gly8141Ter; replaces glycine 8141 with a stop codon.
Molecular consequence: nonsense.
Genome position (GRCh38, 1-based): chr2:151,496,341, C>A on the plus strand (G>T on the coding strand, the complement: NEB is on the minus strand). VCF-style: chr2-151496341-C-A. GRCh37 (hg19) VCF-style: chr2-152352855-C-A.
Other names: c.24421G>T, p.Gly8141Ter (NM_001164507.2); c.24526G>T, p.Gly8176Ter (NM_001271208.2); c.18853G>T, p.Gly6285Ter (NM_004543.5); short protein forms G6285*, G8141*, G8176*.
Identifiers: ClinVar variation 5012587 (VCV005012587.1).